The following is an entry in ClinVar:

NM_000257.4(MYH7):c.5163C>T (p.Thr1721=)

Genes: MHRT (myosin heavy chain associated RNA transcript; plus strand), MYH7 (myosin heavy chain 7; minus strand), LOC126861897 (BRD4-independent group 4 enhancer GRCh37_chr14:23884455-23885654; plus strand). Cytogenetic location: 14q11.2.
Variant type: single nucleotide variant.
Coding change: c.5163C>T on transcript NM_000257.4 (MANE Select); coding-DNA position 5163, C replaced by T.
Protein change: p.Thr1721=; no amino-acid change (threonine 1721 retained).
Molecular consequence: synonymous variant. On other transcripts: non-coding transcript variant (1).
Genome position (GRCh38, 1-based): chr14:23,415,501, G>A on the plus strand (C>T on the coding strand, the complement: MYH7 is on the minus strand). VCF-style: chr14-23415501-G-A. GRCh37 (hg19) VCF-style: chr14-23884710-G-A.
Other names: c.5163C>T (NM_000257.2).
Identifiers: ClinVar variation 1113729 (VCV001113729.14), dbSNP rs148739072, ClinGen allele CA045648.
Genomic context (GRCh38, chr14:23,415,501, plus strand): 5'-CACTTCAGTCTGGAGCTGGGACAGGTCAGCATCCATCTTCTTCTTCTGGTTGATGAGGCT[G>A]GTGTTCTGGGTTGGGGGAGGGTTGGGCAGAGCAGGAAAAGCATTGAGCATCTATGCATAG-3'
Protein context (NP_000248.2, residues 1711-1731): ERVQLLHSQN[Thr1721=]SLINQKKKMD

ClinVar aggregate classification (germline): Likely benign. Review status: criteria provided, multiple submitters, no conflicts (2 of 4 stars). 5 submissions from 5 submitters: Likely benign (5). Last evaluated 2025-07-05.

Conditions:
Cardiovascular phenotype. Identifiers: MedGen CN230736.
Cardiomyopathy (CMYO). Also called: Cardiomyopathies. Identifiers: Orphanet 167848, MedGen C0878544, MONDO:0004994, HP:0001638. Inheritance: Various modes of inheritance.
Hypertrophic cardiomyopathy. Also called: HYPERTROPHIC MYOCARDIOPATHY. Identifiers: Orphanet 217569, MedGen C0007194, MeSH D002312, MONDO:0005045, HP:0001639.

Allele frequency attached by ClinVar (database versions not stated): gnomAD 0.00001; gnomAD exomes 0.00001; ExAC 0.00002; TOPMed 0.00002; ESP Exome Variant Server 0.00008.
gnomAD v4.1: 18 of 1,614,074 alleles (0.0011%); highest among the groups gnomAD compares: Admixed American, 0.0017%; no homozygotes.

Submissions (5):

Labcorp Genetics (formerly Invitae), Labcorp
Classification: Likely benign for Hypertrophic cardiomyopathy. Last evaluated: 2025-07-05. Review status: criteria provided, single submitter. Criteria: Invitae Variant Classification Sherloc (09022015). Collection method: clinical testing. Allele origin: germline.

Ambry Genetics
Classification: Likely benign for Cardiovascular phenotype. Last evaluated: 2023-09-06. Review status: criteria provided, single submitter. Criteria: Ambry Variant Classification Scheme 2023. Collection method: clinical testing. Allele origin: germline.

All of Us Research Program, National Institutes of Health
Classification: Likely benign for Cardiomyopathy. Last evaluated: 2023-06-08. Review status: criteria provided, single submitter. Criteria: ACMG Guidelines, 2015. Collection method: clinical testing. Allele origin: germline. Inheritance: Autosomal dominant inheritance. Observed: 2 variant alleles, 2 heterozygotes.
Comment: This study involves interpretation of variants in research participants for the purpose of population health screening. Participant phenotype was not available at the time of variant classification. Additional details can be found in publication PMID: 35346344, PMCID: PMC8962531

Color Diagnostics, LLC DBA Color Health
Classification: Likely benign for Cardiomyopathy. Last evaluated: 2023-04-05. Review status: criteria provided, single submitter. Criteria: ACMG Guidelines, 2015. Collection method: clinical testing. Allele origin: germline.

CHEO Genetics Diagnostic Laboratory, Children's Hospital of Eastern Ontario
Classification: Likely benign for Cardiomyopathy. Last evaluated: 2022-07-08. Review status: criteria provided, single submitter. Criteria: ACMG Guidelines, 2015. Collection method: clinical testing. Allele origin: germline.